The following is an entry in ClinVar:

NM_017617.5(NOTCH1):c.7118T>C (p.Leu2373Pro)

Gene: NOTCH1 (notch receptor 1; minus strand). Cytogenetic location: 9q34.3.
Variant type: single nucleotide variant.
Coding change: c.7118T>C on transcript NM_017617.5 (MANE Select); coding-DNA position 7118, T replaced by C.
Protein change: p.Leu2373Pro; replaces leucine 2373 with proline.
Molecular consequence: missense variant.
Genome position (GRCh38, 1-based): chr9:136,496,621, A>G on the plus strand (T>C on the coding strand, the complement: NOTCH1 is on the minus strand). VCF-style: chr9-136496621-A-G. GRCh37 (hg19) VCF-style: chr9-139391073-A-G.
Other names: short protein forms L2373P.
Identifiers: ClinVar variation 2293706 (VCV002293706.4), dbSNP rs2540421069, ClinGen allele CA375628047.

ClinVar aggregate classification (germline): Uncertain significance. Review status: criteria provided, multiple submitters, no conflicts (2 of 4 stars). 3 submissions from 3 submitters: Uncertain significance (3). Last evaluated 2026-07-01.

Conditions:
Adams-Oliver syndrome 5 (AOS5). Identifiers: Orphanet 974, MedGen C4014970, MONDO:0014459, OMIM 616028.
Familial thoracic aortic aneurysm and aortic dissection (TAAD). Also called: Thoracic aortic aneurysms and dissections. Identifiers: Orphanet 91387, MedGen C4707243, MONDO:0019625.

Submissions (3):

CeGaT Center for Human Genetics Tuebingen
Classification: Uncertain significance. Last evaluated: 2026-07-01. Review status: criteria provided, single submitter. Criteria: CeGaT Center For Human Genetics Tuebingen Variant Classification Criteria Version 2. Collection method: clinical testing. Allele origin: germline. Affected: yes. Observed: 1 variant allele.
Comment: NOTCH1: PM2

Labcorp Genetics (formerly Invitae), Labcorp
Classification: Uncertain significance for Adams-Oliver syndrome 5. Last evaluated: 2026-01-27. Review status: criteria provided, single submitter. Criteria: Invitae Variant Classification Sherloc (09022015). Collection method: clinical testing. Allele origin: germline.
Comment: This sequence change replaces leucine, which is neutral and non-polar, with proline, which is neutral and non-polar, at codon 2373 of the NOTCH1 protein (p.Leu2373Pro). This variant is not present in population databases (gnomAD no frequency). This variant has not been reported in the literature in individuals affected with NOTCH1-related conditions. ClinVar contains an entry for this variant (Variation ID: 2293706). Invitae Evidence Modeling of protein sequence and biophysical properties (such as structural, functional, and spatial information, amino acid conservation, physicochemical variation, residue mobility, and thermodynamic stability) indicates that this missense variant is not expected to disrupt NOTCH1 protein function with a negative predictive value of 80%. In summary, the available evidence is currently insufficient to determine the role of this variant in disease. Therefore, it has been classified as a Variant of Uncertain Significance.

Ambry Genetics
Classification: Uncertain significance for Familial thoracic aortic aneurysm and aortic dissection. Last evaluated: 2022-06-03. Review status: criteria provided, single submitter. Criteria: Ambry Variant Classification Scheme 2023. Collection method: clinical testing. Allele origin: germline.